The following is an entry in ClinVar:

ClinVar aggregate classification (germline): Uncertain significance. Review status: criteria provided, multiple submitters, no conflicts (2 of 4 stars). 2 submissions from 2 submitters: Uncertain significance (2). Last evaluated 2025-12-24.

Allele frequency attached by ClinVar (database versions not stated): ExAC 0.00002; gnomAD 0.00001; gnomAD exomes 0.00001; TOPMed 0.00001.
gnomAD v4.1: 10 of 1,614,092 alleles (0.00062%); highest among the groups gnomAD compares: African/African-American, 0.0013%; no homozygotes.

Submissions (2):

Labcorp Genetics (formerly Invitae), Labcorp
Classification: Uncertain significance. Last evaluated: 2025-12-24. Review status: criteria provided, single submitter. Criteria: Invitae Variant Classification Sherloc (09022015). Collection method: clinical testing. Allele origin: germline.
Comment: This sequence change replaces cysteine, which is neutral and slightly polar, with arginine, which is basic and polar, at codon 551 of the RNF31 protein (p.Cys551Arg). This variant is present in population databases (rs774925755, gnomAD 0.002%). This variant has not been reported in the literature in individuals affected with RNF31-related conditions. ClinVar contains an entry for this variant (Variation ID: 2384840). An algorithm developed to predict the effect of missense changes on protein structure and function (PolyPhen-2) suggests that this variant is likely to be tolerated. In summary, the available evidence is currently insufficient to determine the role of this variant in disease. Therefore, it has been classified as a Variant of Uncertain Significance.

Ambry Genetics
Classification: Uncertain significance. Last evaluated: 2022-11-18. Review status: criteria provided, single submitter. Criteria: Ambry Variant Classification Scheme 2023. Collection method: clinical testing. Allele origin: germline.

NM_017999.5(RNF31):c.1651T>C (p.Cys551Arg)

Gene: RNF31 (ring finger protein 31; plus strand). Cytogenetic location: 14q12.
Variant type: single nucleotide variant.
Coding change: c.1651T>C on transcript NM_017999.5 (MANE Select); coding-DNA position 1651, T replaced by C.
Protein change: p.Cys551Arg; replaces cysteine 551 with arginine.
Molecular consequence: missense variant.
Genome position (GRCh38, 1-based): chr14:24,151,293, T>C. VCF-style: chr14-24151293-T-C. GRCh37 (hg19) VCF-style: chr14-24620502-T-C.
Other names: c.1198T>C, p.Cys400Arg (NM_001310332.2); short protein forms C400R, C551R.
Identifiers: ClinVar variation 2384840 (VCV002384840.4), dbSNP rs774925755, ClinGen allele CA7125840.